The following is an entry in ClinVar:

NM_004586.3(RPS6KA3):c.1960-6_1971del

Gene: RPS6KA3 (ribosomal protein S6 kinase A3; minus strand). Cytogenetic location: Xp22.12.
Variant type: Deletion.
Coding change: c.1960-6_1971del on transcript NM_004586.3 (MANE Select); 6 bases into the intron before coding-DNA position 1960 through coding-DNA position 1971, 18 bases deleted (TTACAGGACCTGGTGTCA).
Molecular consequence: splice acceptor variant.
Genome position (GRCh38, 1-based): chrX:20,156,238-20,156,255, TGACACCAGGTCCTGTAA deleted on the plus strand (TTACAGGACCTGGTGTCA on the coding strand, the reverse complement: RPS6KA3 is on the minus strand); deleting any 18 consecutive bases within chrX:20,156,238-20,156,257 gives the same sequence; the c. name uses the placement nearest the transcript's 3' end. VCF-style (leftmost placement, unchanged base first): chrX-20156237-TTGACACCAGGTCCTGTAA-T. GRCh37 (hg19) VCF-style: chrX-20174355-TTGACACCAGGTCCTGTAA-T.
Identifiers: ClinVar variation 1705400 (VCV001705400.1), dbSNP rs2519573579, ClinGen allele CA2580100451.

ClinVar aggregate classification (germline): Likely pathogenic (1 of 4 stars; one submission).

Conditions:
Coffin-Lowry syndrome (CLS). Also called: Mental retardation with osteocartilaginous abnormalities; COFFIN-LOWRY SYNDROME, MILD. Identifiers: Orphanet 192, MedGen C0265252, MONDO:0010561, OMIM 303600.

Submission:

3billion
Classification: Likely pathogenic for Coffin-Lowry syndrome. Last evaluated: 2022-09-01. Review status: criteria provided, single submitter. Criteria: ACMG Guidelines, 2015. Collection method: clinical testing. Allele origin: germline. Affected: yes. Observed: 1 hemizygote.
Comment: The variant is not observed in the gnomAD v2.1.1 dataset. Canonical splice site is predicted to alter splicing and result in a loss or disruption of normal protein function. Multiple pathogenic loss-of-function variants are reported downstream of the variant.